The following is an entry in ClinVar:

NM_004783.4(TAOK2):c.3135C>T (p.Ser1045=)

Gene: TAOK2 (TAO kinase 2; plus strand). Cytogenetic location: 16p11.2.
Variant type: single nucleotide variant.
Coding change: c.3135C>T on transcript NM_004783.4; coding-DNA position 3135, C replaced by T.
Protein change: p.Ser1045=; no amino-acid change (serine 1045 retained).
Molecular consequence: synonymous variant.
Genome position (GRCh38, 1-based): chr16:29,991,553, C>T. VCF-style: chr16-29991553-C-T. GRCh37 (hg19) VCF-style: chr16-30002874-C-T.
Identifiers: ClinVar variation 3031074 (VCV003031074.2), dbSNP rs1317570768, ClinGen allele CA719795520.

ClinVar aggregate classification (germline): Likely benign (0 of 4 stars; one submission).

Conditions:
TAOK2-related disorder. Also called: TAOK2-related condition.

Allele frequency attached by ClinVar (database versions not stated): gnomAD exomes 0.00001; TOPMed 0.00003.
gnomAD v4.1: 8 of 1,479,666 alleles (0.00054%); highest among the groups gnomAD compares: Non-Finnish European, 0.00072%; no homozygotes.

Submission:

PreventionGenetics, part of Exact Sciences
Classification: Likely benign for TAOK2-related condition. Last evaluated: 2024-01-19. Review status: no assertion criteria provided. Collection method: clinical testing. Allele origin: germline.
Comment: This variant is classified as likely benign based on ACMG/AMP sequence variant interpretation guidelines (Richards et al. 2015 PMID: 25741868, with internal and published modifications).